The following is an entry in ClinVar:

NM_003365.3(UQCRC1):c.1303G>A (p.Glu435Lys)

Gene: UQCRC1 (ubiquinol-cytochrome c reductase core protein 1; minus strand). Cytogenetic location: 3p21.31.
Variant type: single nucleotide variant.
Coding change: c.1303G>A on transcript NM_003365.3 (MANE Select); coding-DNA position 1303, G replaced by A.
Protein change: p.Glu435Lys; replaces glutamic acid 435 with lysine.
Molecular consequence: missense variant.
Genome position (GRCh38, 1-based): chr3:48,599,710, C>T on the plus strand (G>A on the coding strand, the complement: UQCRC1 is on the minus strand). VCF-style: chr3-48599710-C-T. GRCh37 (hg19) VCF-style: chr3-48637143-C-T.
Other names: short protein forms E435K.
Identifiers: ClinVar variation 4981320 (VCV004981320.1).

ClinVar aggregate classification (germline): Likely benign (1 of 4 stars; one submission).

Conditions:
UQCRC1-related disorder. Also called: UQCRC1-related condition.

Submission:

PreventionGenetics, part of Exact Sciences
Classification: Likely benign for UQCRC1-related condition. Last evaluated: 2026-05-28. Review status: criteria provided, single submitter. Criteria: ACMG Guidelines, 2015. Collection method: clinical testing. Allele origin: germline.
Comment: This variant is classified as likely benign based on ACMG/AMP sequence variant interpretation guidelines (Richards et al. 2015 PMID: 25741868, with internal and published modifications).